The following is an entry in ClinVar:

NM_003839.4(TNFRSF11A):c.858A>C (p.Leu286Phe)

Gene: TNFRSF11A (TNF receptor superfamily member 11a; plus strand). Cytogenetic location: 18q21.33.
Variant type: single nucleotide variant.
Coding change: c.858A>C on transcript NM_003839.4 (MANE Select); coding-DNA position 858, A replaced by C.
Protein change: p.Leu286Phe; replaces leucine 286 with phenylalanine.
Molecular consequence: missense variant. On other transcripts: intron variant (3).
Genome position (GRCh38, 1-based): chr18:62,368,775, A>C. VCF-style: chr18-62368775-A-C. GRCh37 (hg19) VCF-style: chr18-60036008-A-C.
Other names: c.816A>C, p.Leu272Phe (NM_001278268.2); c.783+2015A>C (NM_001270949.2); c.730+6982A>C (NM_001270950.2); c.616+8726A>C (NM_001270951.2); short protein forms L272F, L286F.
Identifiers: ClinVar variation 2648776 (VCV002648776.26), dbSNP rs779851655, ClinGen allele CA301703949.

ClinVar aggregate classification (germline): Uncertain significance. Review status: criteria provided, multiple submitters, no conflicts (2 of 4 stars). 2 submissions from 2 submitters: Uncertain significance (2). Last evaluated 2024-11-03.

Allele frequency attached by ClinVar (database versions not stated): gnomAD 0.00001; gnomAD exomes 0.00001; TOPMed 0.00002.
gnomAD v4.1: 20 of 1,614,116 alleles (0.0012%); highest among the groups gnomAD compares: Non-Finnish European, 0.0016%; no homozygotes.

Submissions (2):

Labcorp Genetics (formerly Invitae), Labcorp
Classification: Uncertain significance. Last evaluated: 2024-11-03. Review status: criteria provided, single submitter. Criteria: Invitae Variant Classification Sherloc (09022015). Collection method: clinical testing. Allele origin: germline.
Comment: This sequence change replaces leucine, which is neutral and non-polar, with phenylalanine, which is neutral and non-polar, at codon 286 of the TNFRSF11A protein (p.Leu286Phe). This variant is present in population databases (rs779851655, gnomAD 0.0009%). This variant has not been reported in the literature in individuals affected with TNFRSF11A-related conditions. ClinVar contains an entry for this variant (Variation ID: 2648776). An algorithm developed to predict the effect of missense changes on protein structure and function outputs the following: PolyPhen-2: "Benign". The phenylalanine amino acid residue is found in multiple mammalian species, which suggests that this missense change does not adversely affect protein function. In summary, the available evidence is currently insufficient to determine the role of this variant in disease. Therefore, it has been classified as a Variant of Uncertain Significance.

CeGaT Center for Human Genetics Tuebingen
Classification: Uncertain significance. Last evaluated: 2022-07-01. Review status: criteria provided, single submitter. Criteria: CeGaT Center For Human Genetics Tuebingen Variant Classification Criteria Version 2. Collection method: clinical testing. Allele origin: germline. Affected: yes. Observed: 1 variant allele.